The following is an entry in ClinVar:

NM_001038603.3(MARVELD2):c.500A>G (p.Gln167Arg)

Gene: MARVELD2 (MARVEL domain containing 2; plus strand). Cytogenetic location: 5q13.2.
Variant type: single nucleotide variant.
Coding change: c.500A>G on transcript NM_001038603.3 (MANE Select); coding-DNA position 500, A replaced by G.
Protein change: p.Gln167Arg; replaces glutamine 167 with arginine.
Molecular consequence: missense variant.
Genome position (GRCh38, 1-based): chr5:69,419,885, A>G. VCF-style: chr5-69419885-A-G. GRCh37 (hg19) VCF-style: chr5-68715712-A-G.
Other names: c.500A>G, p.Gln167Arg (NM_001244734.2); short protein forms Q167R.
Identifiers: ClinVar variation 178407 (VCV000178407.47), dbSNP rs139854607, ClinGen allele CA182266.

ClinVar aggregate classification (germline): Conflicting classifications of pathogenicity. Review status: criteria provided, conflicting classifications (1 of 4 stars). 7 submissions from 7 submitters: Uncertain significance (1); Benign (4); Likely benign (1). 1 of the submissions does not count toward it. Last evaluated 2026-06-01.

Conditions:
MARVELD2-related disorder. Also called: MARVELD2-related condition.
Autosomal recessive nonsyndromic hearing loss 49. Also called: Deafness, neurosensory, autosomal recessive 49. Identifiers: Orphanet 90636, MedGen C1857811, MONDO:0012420, OMIM 610153.

Allele frequency attached by ClinVar (database versions not stated): 1000 Genomes Project 0.00160; 1000 Genomes Project 30x 0.00187; TOPMed 0.00316; ExAC 0.00381; ESP Exome Variant Server 0.00400; gnomAD exomes 0.00412 and 0.00528; gnomAD 0.00444 and 0.00464.
gnomAD v4.1: 8,365 of 1,614,162 alleles (0.52%); highest among the groups gnomAD compares: Non-Finnish European, 0.59%; 33 homozygotes.

Submissions (7):

CeGaT Center for Human Genetics Tuebingen
Classification: Likely benign. Last evaluated: 2026-06-01. Review status: criteria provided, single submitter. Criteria: CeGaT Center For Human Genetics Tuebingen Variant Classification Criteria Version 2. Collection method: clinical testing. Allele origin: germline. Affected: yes. Observed: 3 variant alleles.
Comment: MARVELD2: BP4, BS2

Labcorp Genetics (formerly Invitae), Labcorp
Classification: Benign. Last evaluated: 2025-12-31. Review status: criteria provided, single submitter. Criteria: Invitae Variant Classification Sherloc (09022015). Collection method: clinical testing. Allele origin: germline.

GeneDx
Classification: Benign. Last evaluated: 2019-04-16. Review status: criteria provided, single submitter. Criteria: GeneDx Variant Classification Process June 2021. Collection method: clinical testing. Allele origin: germline. Affected: yes.

Illumina Laboratory Services, Illumina
Classification: Uncertain significance for Autosomal recessive nonsyndromic hearing loss 49. Last evaluated: 2018-01-12. Review status: criteria provided, single submitter. Criteria: ICSL Variant Classification Criteria 13 December 2019. Collection method: clinical testing. Allele origin: germline.

Eurofins Ntd Llc (ga)
Classification: Benign. Last evaluated: 2014-12-19. Review status: criteria provided, single submitter. Criteria: EGL Classification Definitions 2015. Collection method: clinical testing. Allele origin: germline. Observed: 1 variant allele, 1 heterozygote.

Laboratory for Molecular Medicine, Mass General Brigham Personalized Medicine
Classification: Benign. Last evaluated: 2012-04-30. Review status: criteria provided, single submitter. Criteria: LMM Criteria. Collection method: clinical testing. Allele origin: germline. Observed: 8 variant alleles.
Comment: Gln167Arg in Exon 02 of MARVELD2: This variant is not expected to have clinical significance because it has been identified in 0.5% (38/7020) of European Americ an chromosomes from a broad population by the NHLBI Exome Sequencing Project (dbSNP rs139854607).

PreventionGenetics, part of Exact Sciences
Classification: Benign for MARVELD2-related condition. Last evaluated: 2019-04-08. Review status: no assertion criteria provided. Collection method: clinical testing. Allele origin: germline. Not counted in ClinVar's aggregate classification.
Comment: This variant is classified as benign based on ACMG/AMP sequence variant interpretation guidelines (Richards et al. 2015 PMID: 25741868, with internal and published modifications).